The following is an entry in ClinVar:

NM_000059.4(BRCA2):c.991A>G (p.Lys331Glu)

Gene: BRCA2 (BRCA2 DNA repair associated; plus strand). Cytogenetic location: 13q13.1.
Variant type: single nucleotide variant.
Coding change: c.991A>G on transcript NM_000059.4 (MANE Select); coding-DNA position 991, A replaced by G.
Protein change: p.Lys331Glu; replaces lysine 331 with glutamic acid.
Molecular consequence: missense variant.
Genome position (GRCh38, 1-based): chr13:32,332,469, A>G. VCF-style: chr13-32332469-A-G. GRCh37 (hg19) VCF-style: chr13-32906606-A-G.
Other names: short protein forms K331E.
Identifiers: ClinVar variation 939474 (VCV000939474.11), dbSNP rs2072402052, ClinGen allele CA387761002.

ClinVar aggregate classification (germline): Conflicting classifications of pathogenicity. Review status: criteria provided, conflicting classifications (1 of 4 stars). 2 submissions from 2 submitters: Uncertain significance (1); Likely benign (1). Last evaluated 2023-03-23.

Conditions:
Hereditary breast ovarian cancer syndrome. Also called: Hereditary breast and/or ovarian cancer syndrome; Hereditary breast and ovarian cancer syndrome; Hereditary breast and ovarian cancer; Hereditary breast and ovarian cancer syndrome (HBOC); Breast and ovarian cancer; BRCA1- and BRCA2-Associated Hereditary Breast and Ovarian Cancer. Identifiers: Orphanet 145, MedGen C0677776, MeSH D061325, MONDO:0003582. Disease mechanism: loss of function.
Hereditary cancer-predisposing syndrome. Also called: Hereditary neoplastic syndrome; Neoplastic Syndromes, Hereditary; Tumor predisposition; Hereditary Cancer Syndrome. Identifiers: Orphanet 140162, MedGen C0027672, MeSH D009386, MONDO:0015356.

Allele frequency attached by ClinVar (database versions not stated): gnomAD exomes below 0.00001.
gnomAD v4.1: 1 of 1,594,618 alleles (0.000063%); highest among the groups gnomAD compares: East Asian, 0.0022%; no homozygotes.

Submissions (2):

University of Washington Department of Laboratory Medicine, University of Washington
Classification: Likely benign for Hereditary cancer-predisposing syndrome. Last evaluated: 2023-03-23. Review status: criteria provided, single submitter. Criteria: Dines et al. (Genet Med. 2020). Collection method: curation. Allele origin: germline.
Comment: Missense variant in a coldspot region where missense variants are very unlikely to be pathogenic (PMID:31911673).

BRCA2 exon 10 coldspot. Reclassification based on statistical prior probability.

Labcorp Genetics (formerly Invitae), Labcorp
Classification: Uncertain significance for Hereditary breast ovarian cancer syndrome. Last evaluated: 2019-07-19. Review status: criteria provided, single submitter. Criteria: Invitae Variant Classification Sherloc (09022015). Collection method: clinical testing. Allele origin: germline.
Comment: In summary, the available evidence is currently insufficient to determine the role of this variant in disease. Therefore, it has been classified as a Variant of Uncertain Significance. Algorithms developed to predict the effect of missense changes on protein structure and function output the following: SIFT: "Tolerated"; PolyPhen-2: "Benign"; Align-GVGD: "Class C0". The glutamic acid amino acid residue is found in multiple mammalian species, suggesting that this missense change does not adversely affect protein function. These predictions have not been confirmed by published functional studies and their clinical significance is uncertain. This variant has not been reported in the literature in individuals with BRCA2-related conditions. This variant is not present in population databases (ExAC no frequency). This sequence change replaces lysine with glutamic acid at codon 331 of the BRCA2 protein (p.Lys331Glu). The lysine residue is moderately conserved and there is a small physicochemical difference between lysine and glutamic acid.